The following is an entry in ClinVar:

NM_000081.4(LYST):c.2948G>A (p.Arg983Lys)

Gene: LYST (lysosomal trafficking regulator; minus strand). Cytogenetic location: 1q42.3.
Variant type: single nucleotide variant.
Coding change: c.2948G>A on transcript NM_000081.4 (MANE Select); coding-DNA position 2948, G replaced by A.
Protein change: p.Arg983Lys; replaces arginine 983 with lysine.
Molecular consequence: missense variant.
Genome position (GRCh38, 1-based): chr1:235,806,188, C>T on the plus strand (G>A on the coding strand, the complement: LYST is on the minus strand). VCF-style: chr1-235806188-C-T. GRCh37 (hg19) VCF-style: chr1-235969488-C-T.
Other names: c.2948G>A, p.Arg983Lys (NM_001301365.1); short protein forms R983K.
Identifiers: ClinVar variation 2013966 (VCV002013966.1), dbSNP rs1192159700, ClinGen allele CA344954525.

ClinVar aggregate classification (germline): Uncertain significance (1 of 4 stars; one submission).

Conditions:
Chédiak-Higashi syndrome (CHS). Also called: Chediak-Higashi Syndrome. Identifiers: Orphanet 167, MedGen C0007965, MONDO:0008963, OMIM 214500.

Allele frequency attached by ClinVar (database versions not stated): TOPMed below 0.00001; gnomAD 0.00001.
gnomAD v4.1: 1 of 1,613,712 alleles (0.000062%); highest among the groups gnomAD compares: Admixed American, 0.0017%; no homozygotes.

Submission:

Labcorp Genetics (formerly Invitae), Labcorp
Classification: Uncertain significance for Chédiak-Higashi syndrome. Last evaluated: 2022-07-04. Review status: criteria provided, single submitter. Criteria: Invitae Variant Classification Sherloc (09022015). Collection method: clinical testing. Allele origin: germline.
Comment: This sequence change replaces arginine, which is basic and polar, with lysine, which is basic and polar, at codon 983 of the LYST protein (p.Arg983Lys). This variant is not present in population databases (gnomAD no frequency). This variant has not been reported in the literature in individuals affected with LYST-related conditions. Algorithms developed to predict the effect of missense changes on protein structure and function output the following: SIFT: "Tolerated"; PolyPhen-2: "Benign"; Align-GVGD: "Class C0". The lysine amino acid residue is found in multiple mammalian species, which suggests that this missense change does not adversely affect protein function. In summary, the available evidence is currently insufficient to determine the role of this variant in disease. Therefore, it has been classified as a Variant of Uncertain Significance.